The following is an entry in ClinVar:

NM_004260.4(RECQL4):c.714G>C (p.Glu238Asp)

Gene: RECQL4 (RecQ like helicase 4; minus strand). Cytogenetic location: 8q24.3.
Variant type: single nucleotide variant.
Coding change: c.714G>C on transcript NM_004260.4 (MANE Select); coding-DNA position 714, G replaced by C.
Protein change: p.Glu238Asp; replaces glutamic acid 238 with aspartic acid.
Molecular consequence: missense variant. On other transcripts: 5 prime UTR variant (17), non-coding transcript variant (3).
Genome position (GRCh38, 1-based): chr8:144,516,405, C>G on the plus strand (G>C on the coding strand, the complement: RECQL4 is on the minus strand). VCF-style: chr8-144516405-C-G. GRCh37 (hg19) VCF-style: chr8-145741789-C-G.
Other names: c.-420G>C (NM_001413027.1, NM_001413030.1, NM_001413031.1 and 2 more transcripts); c.-358G>C (NM_001413028.1, NM_001413035.1, NM_001413037.1 and 7 more transcripts); c.363G>C, p.Glu121Asp (NM_001413029.1); c.714G>C, p.Glu238Asp (NM_001413033.1, NM_001413036.1, NM_001413039.1 and 4 more transcripts); c.-262G>C (NM_001413034.1); c.-627G>C (NM_001413043.1); c.585G>C, p.Glu195Asp (NM_001413025.1); short protein forms E195D, E238D, E121D.
Identifiers: ClinVar variation 5028096 (VCV005028096.1).

ClinVar aggregate classification (germline): Uncertain significance (1 of 4 stars; one submission).

Conditions:
Inborn genetic diseases. Identifiers: MedGen C0950123, MeSH D030342.

Submission:

Ambry Genetics
Classification: Uncertain significance for Inborn genetic diseases. Last evaluated: 2026-08-08. Review status: criteria provided, single submitter. Criteria: Ambry Variant Classification Scheme 2023. Collection method: clinical testing. Allele origin: germline.
Comment: The p.E238D variant (also known as c.714G>C), located in coding exon 5 of the RECQL4 gene, results from a G to C substitution at nucleotide position 714. The glutamic acid at codon 238 is replaced by aspartic acid, an amino acid with highly similar properties. This amino acid position is conserved. In addition, this alteration is predicted to be tolerated by in silico analysis. Based on the available evidence, the clinical significance of this variant remains unclear.